The following is an entry in ClinVar:

ClinVar aggregate classification (germline): Likely benign (1 of 4 stars; one submission).

Conditions:
CTDP1-related disorder. Also called: CTDP1-related condition.

gnomAD v4.1: 171 of 1,613,366 alleles (0.011%); highest among the groups gnomAD compares: South Asian, 0.17%; 1 homozygote.

Submission:

PreventionGenetics, part of Exact Sciences
Classification: Likely benign for CTDP1-related condition. Last evaluated: 2025-10-21. Review status: criteria provided, single submitter. Criteria: ACMG Guidelines, 2015. Collection method: clinical testing. Allele origin: germline.
Comment: This variant is classified as likely benign based on ACMG/AMP sequence variant interpretation guidelines (Richards et al. 2015 PMID: 25741868, with internal and published modifications).

NM_004715.5(CTDP1):c.1668C>T (p.Thr556=)

Gene: CTDP1 (CTD phosphatase 1; plus strand). Cytogenetic location: 18q23.
Variant type: single nucleotide variant.
Coding change: c.1668C>T on transcript NM_004715.5 (MANE Select); coding-DNA position 1668, C replaced by T.
Protein change: p.Thr556=; no amino-acid change (threonine 556 retained).
Molecular consequence: synonymous variant.
Genome position (GRCh38, 1-based): chr18:79,715,128, C>T. VCF-style: chr18-79715128-C-T. GRCh37 (hg19) VCF-style: chr18-77475128-C-T.
Other names: c.1311C>T, p.Thr437= (NM_001202504.1); c.1668C>T, p.Thr556= (NM_001318511.2, NM_048368.4).
Identifiers: ClinVar variation 4979091 (VCV004979091.1).